The following is an entry in ClinVar:

ClinVar aggregate classification (germline): Uncertain significance (1 of 4 stars; one submission).

Submission:

Dasa
Classification: Uncertain significance. Last evaluated: 2026-04-06. Review status: criteria provided, single submitter. Criteria: DASA Assertion Criteria. Collection method: clinical testing. Allele origin: germline.
Comment: NM_003418.5(CNBP):c.146C>G (p.Ser49Cys) is a missense variant that results in the substitution of serine with cysteine. This variant is rare in population databases. Computational prediction algorithms are consistent with a benign effect. The currently available literature and clinical evidence are not sufficient to establish a definitive association between this variant and the reported condition. Therefore, this variant is classified as a variant of uncertain significance.

NM_003418.5(CNBP):c.146C>G (p.Ser49Cys)

Gene: CNBP (CCHC-type zinc finger nucleic acid binding protein; minus strand). Cytogenetic location: 3q21.3.
Variant type: single nucleotide variant.
Coding change: c.146C>G on transcript NM_003418.5 (MANE Select); coding-DNA position 146, C replaced by G.
Protein change: p.Ser49Cys; replaces serine 49 with cysteine.
Molecular consequence: missense variant.
Genome position (GRCh38, 1-based): chr3:129,171,517, G>C on the plus strand (C>G on the coding strand, the complement: CNBP is on the minus strand). VCF-style: chr3-129171517-G-C. GRCh37 (hg19) VCF-style: chr3-128890360-G-C.
Other names: c.146C>G, p.Ser49Cys (NM_001127192.2, NM_001127193.2); c.125C>G, p.Ser42Cys (NM_001127194.2, NM_001127195.2, NM_001127196.2); short protein forms S42C, S49C.
Identifiers: ClinVar variation 4882144 (VCV004882144.2).